The following is an entry in ClinVar:

ClinVar aggregate classification (germline): Uncertain significance. Review status: criteria provided, multiple submitters, no conflicts (2 of 4 stars). 2 submissions from 2 submitters: Uncertain significance (2). Last evaluated 2024-08-26.

Conditions:
Dilated cardiomyopathy 1KK (CMD1KK). Identifiers: Orphanet 154, Orphanet 75249, MedGen C3714995, MONDO:0014100, OMIM 615248.

Allele frequency attached by ClinVar (database versions not stated): gnomAD exomes below 0.00001; ExAC 0.00001; TOPMed 0.00001.
gnomAD v4.1: 2 of 1,614,174 alleles (0.00012%); highest among the groups gnomAD compares: Admixed American, 0.0017%; no homozygotes.

Submissions (2):

Blueprint Genetics
Classification: Uncertain significance. Last evaluated: 2024-08-26. Review status: criteria provided, single submitter. Criteria: ACMG Guidelines, 2015. Collection method: clinical testing. Allele origin: germline.

Labcorp Genetics (formerly Invitae), Labcorp
Classification: Uncertain significance for Dilated cardiomyopathy 1KK. Last evaluated: 2022-07-22. Review status: criteria provided, single submitter. Criteria: Invitae Variant Classification Sherloc (09022015). Collection method: clinical testing. Allele origin: germline.
Comment: In summary, the available evidence is currently insufficient to determine the role of this variant in disease. Therefore, it has been classified as a Variant of Uncertain Significance. Algorithms developed to predict the effect of missense changes on protein structure and function (SIFT, PolyPhen-2, Align-GVGD) all suggest that this variant is likely to be disruptive. ClinVar contains an entry for this variant (Variation ID: 847213). This variant has not been reported in the literature in individuals affected with MYPN-related conditions. This variant is present in population databases (rs750020097, gnomAD 0.003%). This sequence change replaces leucine, which is neutral and non-polar, with proline, which is neutral and non-polar, at codon 672 of the MYPN protein (p.Leu672Pro).

NM_032578.4(MYPN):c.2015T>C (p.Leu672Pro)

Gene: MYPN (myopalladin; plus strand). Cytogenetic location: 10q21.3.
Variant type: single nucleotide variant.
Coding change: c.2015T>C on transcript NM_032578.4 (MANE Select); coding-DNA position 2015, T replaced by C.
Protein change: p.Leu672Pro; replaces leucine 672 with proline.
Molecular consequence: missense variant. On other transcripts: non-coding transcript variant (2).
Genome position (GRCh38, 1-based): chr10:68,174,107, T>C. VCF-style: chr10-68174107-T-C. GRCh37 (hg19) VCF-style: chr10-69933864-T-C.
Other names: c.2015T>C, p.Leu672Pro (NM_001256267.2); c.1133T>C, p.Leu378Pro (NM_001256268.2); short protein forms L378P, L672P.
Identifiers: ClinVar variation 847213 (VCV000847213.7), dbSNP rs750020097, ClinGen allele CA5522717.
Genomic context (GRCh38, chr10:68,174,107, plus strand): 5'-ACCCTTGTTTTGTGTACAGTGATTCCACTCAGTTACAACAGCTTCATAACCAAGTCTTAC[T>C]GGAACAACACCAATTGCAAAACCCACCTCCTTCATCTCCTAAGGAGTTTCCTTTCAGCAT-3'
Protein context (NP_115967.2, residues 662-682): QLQQLHNQVL[Leu672Pro]EQHQLQNPPP